The following is an entry in ClinVar:

ClinVar aggregate classification (germline): Benign (1 of 4 stars; one submission).

Allele frequency attached by ClinVar (database versions not stated): gnomAD 0.21119 and 0.21463; TOPMed 0.21714; 1000 Genomes Project 0.23203; 1000 Genomes Project 30x 0.23470.
gnomAD v4.1: 32,112 of 152,060 alleles (21%); highest among the groups gnomAD compares: African/African-American, 33%; 3,844 homozygotes.

Submission:

GeneDx
Classification: Benign. Last evaluated: 2018-06-19. Review status: criteria provided, single submitter. Criteria: GeneDx Variant Classification (06012015). Collection method: clinical testing. Allele origin: germline. Affected: yes.
Comment: This variant is considered likely benign or benign based on one or more of the following criteria: it is a conservative change, it occurs at a poorly conserved position in the protein, it is predicted to be benign by multiple in silico algorithms, and/or has population frequency not consistent with disease.

NM_001199397.3(NEK1):c.607-259T>C

Gene: NEK1 (NIMA related kinase 1; minus strand). Cytogenetic location: 4q33.
Variant type: single nucleotide variant.
Coding change: c.607-259T>C on transcript NM_001199397.3 (MANE Select); 259 bases into the intron before coding-DNA position 607, T replaced by C.
Molecular consequence: intron variant.
Genome position (GRCh38, 1-based): chr4:169,585,808, A>G on the plus strand (T>C on the coding strand, the complement: NEK1 is on the minus strand). VCF-style: chr4-169585808-A-G. GRCh37 (hg19) VCF-style: chr4-170506959-A-G.
Other names: c.607-259T>C (NM_001374421.1, NM_001374420.1, NM_001199399.3 and 7 more transcripts).
Identifiers: ClinVar variation 667907 (VCV000667907.1), dbSNP rs60579393, ClinGen allele CA11858357.